The following is an entry in ClinVar:

NM_017617.5(NOTCH1):c.4802A>G (p.His1601Arg)

Gene: NOTCH1 (notch receptor 1; minus strand). Cytogenetic location: 9q34.3.
Variant type: single nucleotide variant.
Coding change: c.4802A>G on transcript NM_017617.5 (MANE Select); coding-DNA position 4802, A replaced by G.
Protein change: p.His1601Arg; replaces histidine 1601 with arginine.
Molecular consequence: missense variant.
Genome position (GRCh38, 1-based): chr9:136,504,889, T>C on the plus strand (A>G on the coding strand, the complement: NOTCH1 is on the minus strand). VCF-style: chr9-136504889-T-C. GRCh37 (hg19) VCF-style: chr9-139399341-T-C.
Other names: short protein forms H1601R.
Identifiers: ClinVar variation 1386097 (VCV001386097.6), dbSNP rs2133336705, ClinGen allele CA375644921.

ClinVar aggregate classification (germline): Uncertain significance (1 of 4 stars; one submission).

Conditions:
Adams-Oliver syndrome 5 (AOS5). Identifiers: Orphanet 974, MedGen C4014970, MONDO:0014459, OMIM 616028.

Allele frequency attached by ClinVar (database versions not stated): gnomAD exomes below 0.00001.
gnomAD v4.1: 2 of 1,585,084 alleles (0.00013%); highest among the groups gnomAD compares: African/African-American, 0.0013%; no homozygotes.

Submission:

Labcorp Genetics (formerly Invitae), Labcorp
Classification: Uncertain significance for Adams-Oliver syndrome 5. Last evaluated: 2021-12-02. Review status: criteria provided, single submitter. Criteria: Invitae Variant Classification Sherloc (09022015). Collection method: clinical testing. Allele origin: germline.
Comment: In summary, the available evidence is currently insufficient to determine the role of this variant in disease. Therefore, it has been classified as a Variant of Uncertain Significance. Advanced modeling of protein sequence and biophysical properties (such as structural, functional, and spatial information, amino acid conservation, physicochemical variation, residue mobility, and thermodynamic stability) performed at Invitae indicates that this missense variant is not expected to disrupt NOTCH1 protein function. This variant has not been reported in the literature in individuals affected with NOTCH1-related conditions. This variant is not present in population databases (gnomAD no frequency). This sequence change replaces histidine, which is basic and polar, with arginine, which is basic and polar, at codon 1601 of the NOTCH1 protein (p.His1601Arg).